The following is an entry in ClinVar:

ClinVar aggregate classification (germline): Uncertain significance (1 of 4 stars; one submission).

Allele frequency attached by ClinVar (database versions not stated): gnomAD exomes below 0.00001; ExAC 0.00001.
gnomAD v4.1: 1 of 1,527,774 alleles (0.000065%); highest among the groups gnomAD compares: Non-Finnish European, 0.00009%; no homozygotes.

Submission:

Ambry Genetics
Classification: Uncertain significance. Last evaluated: 2023-01-15. Review status: criteria provided, single submitter. Criteria: Ambry Variant Classification Scheme 2023. Collection method: clinical testing. Allele origin: germline.
Comment: The p.C72Y variant (also known as c.215G>A), located in coding exon 3 of the BUB1 gene, results from a G to A substitution at nucleotide position 215. The cysteine at codon 72 is replaced by tyrosine, an amino acid with highly dissimilar properties. This amino acid position is conserved. In addition, this alteration is predicted to be deleterious by in silico analysis. Since supporting evidence is limited at this time, the clinical significance of this alteration remains unclear.

NM_004336.5(BUB1):c.215G>A (p.Cys72Tyr)

Gene: BUB1 (BUB1 mitotic checkpoint serine/threonine kinase; minus strand). Cytogenetic location: 2q13.
Variant type: single nucleotide variant.
Coding change: c.215G>A on transcript NM_004336.5 (MANE Select); coding-DNA position 215, G replaced by A.
Protein change: p.Cys72Tyr; replaces cysteine 72 with tyrosine.
Molecular consequence: missense variant.
Genome position (GRCh38, 1-based): chr2:110,674,096, C>T on the plus strand (G>A on the coding strand, the complement: BUB1 is on the minus strand). VCF-style: chr2-110674096-C-T. GRCh37 (hg19) VCF-style: chr2-111431673-C-T.
Other names: c.155G>A, p.Cys52Tyr (NM_001278616.2); c.215G>A, p.Cys72Tyr (NM_001278617.2); short protein forms C72Y, C52Y.
Identifiers: ClinVar variation 2446977 (VCV002446977.2), dbSNP rs757798502, ClinGen allele CA1828427.